The following is an entry in ClinVar:

NM_004260.4(RECQL4):c.53T>C (p.Phe18Ser)

Genes: RECQL4 (RecQ like helicase 4; minus strand), LOC130001411 (ATAC-STARR-seq lymphoblastoid silent region 19699; plus strand). Cytogenetic location: 8q24.3.
Variant type: single nucleotide variant.
Coding change: c.53T>C on transcript NM_004260.4 (MANE Select); coding-DNA position 53, T replaced by C.
Protein change: p.Phe18Ser; replaces phenylalanine 18 with serine.
Molecular consequence: missense variant.
Genome position (GRCh38, 1-based): chr8:144,517,732, A>G on the plus strand (T>C on the coding strand, the complement: RECQL4 is on the minus strand). VCF-style: chr8-144517732-A-G. GRCh37 (hg19) VCF-style: chr8-145743116-A-G.
Other names: short protein forms F18S.
Identifiers: ClinVar variation 1370393 (VCV001370393.6), dbSNP rs2130745700, ClinGen allele CA372693777.
Genomic context (GRCh38, chr8:144,517,732, plus strand): 5'-CAGCCCCTCGGCCCCTGGGCAGCCCGCACCTGGCTCGGTCGCCGCCCGCGCTGCCGTCGG[A>G]ACGCGCGCTCCCACGCCTGCAGCCGCTCCCGCACGTCCCGCAGCCGCTCCATGGCGCGCG-3'
Protein context (NP_004251.4, residues 8-28): RERLQAWERA[Phe18Ser]RRQRGRRPSQ

ClinVar aggregate classification (germline): Uncertain significance (1 of 4 stars; one submission).

Conditions:
Baller-Gerold syndrome (BGS). Also called: CRANIOSYNOSTOSIS WITH RADIAL DEFECTS. Identifiers: Orphanet 1225, MedGen C0265308, MONDO:0009039, OMIM 218600.

gnomAD v4.1: 1 of 1,350,194 alleles (0.000074%); highest among the groups gnomAD compares: Non-Finnish European, 0.000095%; no homozygotes.

Submission:

Labcorp Genetics (formerly Invitae), Labcorp
Classification: Uncertain significance for Baller-Gerold syndrome. Last evaluated: 2021-06-17. Review status: criteria provided, single submitter. Criteria: Invitae Variant Classification Sherloc (09022015). Collection method: clinical testing. Allele origin: germline.
Comment: The frequency data for this variant in the population databases is considered unreliable, as metrics indicate insufficient coverage at this position in the ExAC database. In summary, the available evidence is currently insufficient to determine the role of this variant in disease. Therefore, it has been classified as a Variant of Uncertain Significance. Experimental studies and prediction algorithms are not available or were not evaluated, and the functional significance of this variant is currently unknown. This variant has not been reported in the literature in individuals with RECQL4-related conditions. This sequence change replaces phenylalanine with serine at codon 18 of the RECQL4 protein (p.Phe18Ser). The phenylalanine residue is highly conserved and there is a large physicochemical difference between phenylalanine and serine.